The following is an entry in ClinVar:

ClinVar aggregate classification (germline): Benign/Likely benign. Review status: criteria provided, multiple submitters, no conflicts (2 of 4 stars). 9 submissions from 9 submitters: Benign (5); Likely benign (3). 1 of the submissions does not count toward it. Last evaluated 2026-09-01.

Conditions:
EVC2-related disorder. Also called: EVC2-related condition.
Curry-Hall syndrome (WAD). Also called: WEYERS ACRODENTAL DYSOSTOSIS. Identifiers: Orphanet 952, MedGen C0457013, MONDO:0008673, OMIM 193530.
Ellis-van Creveld syndrome (EVC). Also called: MESOECTODERMAL DYSPLASIA; Chondroectodermal dysplasia. Identifiers: Orphanet 289, MedGen C0013903, MONDO:0009162, OMIM 225500.

Allele frequency attached by ClinVar (database versions not stated): 1000 Genomes Project 0.00240; 1000 Genomes Project 30x 0.00297; gnomAD 0.00353 and 0.00357; ExAC 0.00383; gnomAD exomes 0.00388 and 0.00612; TOPMed 0.00396; ESP Exome Variant Server 0.00546.
gnomAD v4.1: 9,454 of 1,614,094 alleles (0.59%); highest among the groups gnomAD compares: Non-Finnish European, 0.73%; 34 homozygotes.

Submissions (9):

CeGaT Center for Human Genetics Tuebingen
Classification: Likely benign. Last evaluated: 2026-09-01. Review status: criteria provided, single submitter. Criteria: CeGaT Center For Human Genetics Tuebingen Variant Classification Criteria Version 2. Collection method: clinical testing. Allele origin: germline. Affected: yes. Observed: 10 variant alleles.
Comment: EVC2: BP4, BP7, BS2

Women's Health and Genetics/Laboratory Corporation of America, LabCorp
Classification: Benign. Last evaluated: 2026-05-11. Review status: criteria provided, single submitter. Criteria: LabCorp Variant Classification Summary - May 2015. Collection method: clinical testing. Allele origin: germline.

Labcorp Genetics (formerly Invitae), Labcorp
Classification: Benign for Curry-Hall syndrome; Ellis-van Creveld syndrome. Last evaluated: 2026-01-31. Review status: criteria provided, single submitter. Criteria: Invitae Variant Classification Sherloc (09022015). Collection method: clinical testing. Allele origin: germline.

ARUP Laboratories, Molecular Genetics and Genomics, ARUP Laboratories
Classification: Benign. Last evaluated: 2024-02-27. Review status: criteria provided, single submitter. Criteria: ARUP Molecular Germline Variant Investigation Process 2024. Collection method: clinical testing. Allele origin: germline.

GeneDx
Classification: Benign. Last evaluated: 2018-07-23. Review status: criteria provided, single submitter. Criteria: GeneDx Variant Classification Process June 2021. Collection method: clinical testing. Allele origin: germline. Affected: yes.

Illumina Laboratory Services, Illumina
Classification: Likely benign for Ellis-van Creveld syndrome. Last evaluated: 2018-01-13. Review status: criteria provided, single submitter. Criteria: ICSL Variant Classification Criteria 13 December 2019. Collection method: clinical testing. Allele origin: germline.
Comment: This variant was observed in the ICSL laboratory as part of a predisposition screen in an ostensibly healthy population. It had not been previously curated by ICSL or reported in the Human Gene Mutation Database (HGMD: prior to June 1st, 2018), and was therefore a candidate for classification through an automated scoring system. Utilizing variant allele frequency, disease prevalence and penetrance estimates, and inheritance mode, an automated score was calculated to assess if this variant is too frequent to cause the disease. Based on the score and internal cut-off values, a variant classified as likely benign is not then subjected to further curation. The score for this variant resulted in a classification of likely benign for this disease.

Eurofins Ntd Llc (ga)
Classification: Benign. Last evaluated: 2015-06-22. Review status: criteria provided, single submitter. Criteria: EGL Classification Definitions 2015. Collection method: clinical testing. Allele origin: germline.

Breakthrough Genomics
Classification: Likely benign. Review status: criteria provided, single submitter. Criteria: ACMG Guidelines, 2015. Collection method: not provided. Allele origin: germline. Inheritance: Autosomal recessive inheritance. Affected: yes.

PreventionGenetics, part of Exact Sciences
Classification: Likely benign for EVC2-related condition. Last evaluated: 2020-01-03. Review status: no assertion criteria provided. Collection method: clinical testing. Allele origin: germline. Not counted in ClinVar's aggregate classification.
Comment: This variant is classified as likely benign based on ACMG/AMP sequence variant interpretation guidelines (Richards et al. 2015 PMID: 25741868, with internal and published modifications).

NM_147127.5(EVC2):c.2601C>T (p.Ala867=)

Gene: EVC2 (EvC ciliary complex subunit 2; minus strand). Cytogenetic location: 4p16.2.
Variant type: single nucleotide variant.
Coding change: c.2601C>T on transcript NM_147127.5 (MANE Select); coding-DNA position 2601, C replaced by T.
Protein change: p.Ala867=; no amino-acid change (alanine 867 retained).
Molecular consequence: synonymous variant.
Genome position (GRCh38, 1-based): chr4:5,618,583, G>A on the plus strand (C>T on the coding strand, the complement: EVC2 is on the minus strand). VCF-style: chr4-5618583-G-A. GRCh37 (hg19) VCF-style: chr4-5620310-G-A.
Other names: c.2361C>T, p.Ala787= (NM_001166136.2).
Identifiers: ClinVar variation 281702 (VCV000281702.63), dbSNP rs116514447, ClinGen allele CA2834657.